The following is an entry in ClinVar:

ClinVar aggregate classification (germline): Uncertain significance (1 of 4 stars; one submission).

Conditions:
Renal cell carcinoma. Identifiers: Orphanet 217071, MedGen C0007134, MeSH D002292, MONDO:0005086, HP:0005584.

Submission:

Labcorp Genetics (formerly Invitae), Labcorp
Classification: Uncertain significance for Renal cell carcinoma. Last evaluated: 2025-07-07. Review status: criteria provided, single submitter. Criteria: Invitae Variant Classification Sherloc (09022015). Collection method: clinical testing. Allele origin: germline.
Comment: This sequence change replaces alanine, which is neutral and non-polar, with proline, which is neutral and non-polar, at codon 319 of the MET protein (p.Ala319Pro). This variant is not present in population databases (gnomAD no frequency). This variant has not been reported in the literature in individuals affected with MET-related conditions. Invitae Evidence Modeling of protein sequence and biophysical properties (such as structural, functional, and spatial information, amino acid conservation, physicochemical variation, residue mobility, and thermodynamic stability) indicates that this missense variant is expected to disrupt MET protein function with a positive predictive value of 80%. In summary, the available evidence is currently insufficient to determine the role of this variant in disease. Therefore, it has been classified as a Variant of Uncertain Significance.

NM_000245.4(MET):c.955G>C (p.Ala319Pro)

Gene: MET (MET proto-oncogene, receptor tyrosine kinase; plus strand). Cytogenetic location: 7q31.2.
Variant type: single nucleotide variant.
Coding change: c.955G>C on transcript NM_000245.4 (MANE Select); coding-DNA position 955, G replaced by C.
Protein change: p.Ala319Pro; replaces alanine 319 with proline.
Molecular consequence: missense variant. On other transcripts: intron variant (1).
Genome position (GRCh38, 1-based): chr7:116,700,039, G>C. VCF-style: chr7-116700039-G-C. GRCh37 (hg19) VCF-style: chr7-116340093-G-C.
Other names: c.955G>C, p.Ala319Pro (NM_001127500.3, NM_001324401.3); c.-91+27462G>C (NM_001324402.2); short protein forms A319P.
Identifiers: ClinVar variation 4744616 (VCV004744616.1).